The following is an entry in ClinVar:

NM_001378457.1(DMXL2):c.6638C>T (p.Ala2213Val)

Gene: DMXL2 (Dmx like 2; minus strand). Cytogenetic location: 15q21.2.
Variant type: single nucleotide variant.
Coding change: c.6638C>T on transcript NM_001378457.1 (MANE Select); coding-DNA position 6638, C replaced by T.
Protein change: p.Ala2213Val; replaces alanine 2213 with valine.
Molecular consequence: missense variant. On other transcripts: non-coding transcript variant (2).
Genome position (GRCh38, 1-based): chr15:51,480,066, G>A on the plus strand (C>T on the coding strand, the complement: DMXL2 is on the minus strand). VCF-style: chr15-51480066-G-A. GRCh37 (hg19) VCF-style: chr15-51772263-G-A.
Other names: c.6638C>T (NM_001174116.1); c.6638C>T, p.Ala2213Val (NM_001174116.3, NM_001378458.1, NM_001378459.1 and 4 more transcripts); c.4730C>T, p.Ala1577Val (NM_001174117.3); c.4619C>T, p.Ala1540Val (NM_001378460.1); c.6398C>T, p.Ala2133Val (NM_001378464.1); short protein forms A2133V, A2213V, A1577V, A1540V.
Identifiers: ClinVar variation 1919546 (VCV001919546.3), dbSNP rs775764194, ClinGen allele CA7561590.

ClinVar aggregate classification (germline): Uncertain significance. Review status: criteria provided, multiple submitters, no conflicts (2 of 4 stars). 2 submissions from 2 submitters: Uncertain significance (2). Last evaluated 2026-06-11.

Conditions:
DMXL2-related disorder. Also called: DMXL2-related condition.

Allele frequency attached by ClinVar (database versions not stated): gnomAD 0.00001; ExAC 0.00002; gnomAD exomes 0.00003.
gnomAD v4.1: 45 of 1,600,020 alleles (0.0028%); highest among the groups gnomAD compares: Non-Finnish European, 0.0037%; no homozygotes.

Submissions (2):

PreventionGenetics, part of Exact Sciences
Classification: Uncertain significance for DMXL2-related condition. Last evaluated: 2026-06-11. Review status: criteria provided, single submitter. Criteria: ACMG Guidelines, 2015. Collection method: clinical testing. Allele origin: germline.
Comment: The DMXL2 c.6638C>T variant is predicted to result in the amino acid substitution p.Ala2213Val. To our knowledge, this variant has not been reported in the literature. This variant is reported in 0.0040% of alleles in individuals of European (Finnish) descent in gnomAD. At this time, the clinical significance of this variant is uncertain due to the absence of conclusive functional and genetic evidence.

Labcorp Genetics (formerly Invitae), Labcorp
Classification: Uncertain significance. Last evaluated: 2022-06-30. Review status: criteria provided, single submitter. Criteria: Invitae Variant Classification Sherloc (09022015). Collection method: clinical testing. Allele origin: germline.
Comment: This sequence change replaces alanine, which is neutral and non-polar, with valine, which is neutral and non-polar, at codon 2213 of the DMXL2 protein (p.Ala2213Val). This variant is present in population databases (rs775764194, gnomAD 0.004%). This variant has not been reported in the literature in individuals affected with DMXL2-related conditions. Algorithms developed to predict the effect of missense changes on protein structure and function are either unavailable or do not agree on the potential impact of this missense change (SIFT: "Deleterious"; PolyPhen-2: "Probably Damaging"; Align-GVGD: "Class C0"). In summary, the available evidence is currently insufficient to determine the role of this variant in disease. Therefore, it has been classified as a Variant of Uncertain Significance.